The following is an entry in ClinVar:

ClinVar aggregate classification (germline): Uncertain significance (1 of 4 stars; one submission).

Submission:

GeneDx
Classification: Uncertain significance. Last evaluated: 2025-01-14. Review status: criteria provided, single submitter. Criteria: GeneDx Variant Classification Process June 2021. Collection method: clinical testing. Allele origin: germline. Affected: yes.
Comment: Not observed at significant frequency in large population cohorts (gnomAD); In silico analysis supports that this missense variant has a deleterious effect on protein structure/function; Has not been previously published as pathogenic or benign to our knowledge

NM_001007553.3(CSDE1):c.73C>A (p.Arg25Ser)

Gene: CSDE1 (cold shock domain containing E1; minus strand). Cytogenetic location: 1p13.2.
Variant type: single nucleotide variant.
Coding change: c.73C>A on transcript NM_001007553.3 (MANE Select); coding-DNA position 73, C replaced by A.
Protein change: p.Arg25Ser; replaces arginine 25 with serine.
Molecular consequence: missense variant.
Genome position (GRCh38, 1-based): chr1:114,739,818, G>T on the plus strand (C>A on the coding strand, the complement: CSDE1 is on the minus strand). VCF-style: chr1-114739818-G-T. GRCh37 (hg19) VCF-style: chr1-115282439-G-T.
Other names: c.211C>A, p.Arg71Ser (NM_001130523.3, NM_001242891.2); c.73C>A, p.Arg25Ser (NM_001242892.2, NM_001242893.2, NM_007158.6); short protein forms R25S, R71S.
Identifiers: ClinVar variation 4057185 (VCV004057185.1).
Genomic context (GRCh38, chr1:114,739,818, plus strand): 5'-GTTCTGAACACTGAATAAATCCGTAAGAGGTTAACAGTTTTTCAATAACCCCAGTTTCAC[G>T]CAGTGCTGCTGAAGTACCATTAGGGTACCCATTATGTCCATTGTTGTGGAGAAGGTTTGG-3'
Protein context (NP_001007554.1, residues 15-35): GYPNGTSAAL[Arg25Ser]ETGVIEKLLT